The following is an entry in ClinVar:

ClinVar aggregate classification (germline): Conflicting classifications of pathogenicity. Review status: criteria provided, conflicting classifications (1 of 4 stars). 2 submissions from 2 submitters: Uncertain significance (1); Likely benign (1). Last evaluated 2025-04-01.

Conditions:
Inborn genetic diseases. Identifiers: MedGen C0950123, MeSH D030342.

gnomAD v4.1: 15 of 1,614,108 alleles (0.00093%); highest among the groups gnomAD compares: Non-Finnish European, 0.00085%; no homozygotes.

Submissions (2):

CeGaT Center for Human Genetics Tuebingen
Classification: Likely benign. Last evaluated: 2025-04-01. Review status: criteria provided, single submitter. Criteria: CeGaT Center For Human Genetics Tuebingen Variant Classification Criteria Version 2. Collection method: clinical testing. Allele origin: germline. Affected: yes. Observed: 1 variant allele.
Comment: FHOD3: BP4

Ambry Genetics
Classification: Uncertain significance for Inborn genetic diseases. Last evaluated: 2024-09-25. Review status: criteria provided, single submitter. Criteria: Ambry Variant Classification Scheme 2023. Collection method: clinical testing. Allele origin: germline.

NM_001281740.3(FHOD3):c.2347G>A (p.Ala783Thr)

Gene: FHOD3 (formin homology 2 domain containing 3; plus strand). Cytogenetic location: 18q12.2.
Variant type: single nucleotide variant.
Coding change: c.2347G>A on transcript NM_001281740.3 (MANE Select); coding-DNA position 2347, G replaced by A.
Protein change: p.Ala783Thr; replaces alanine 783 with threonine.
Molecular consequence: missense variant.
Genome position (GRCh38, 1-based): chr18:36,709,205, G>A. VCF-style: chr18-36709205-G-A. GRCh37 (hg19) VCF-style: chr18-34289168-G-A.
Other names: c.1771G>A, p.Ala591Thr (NM_001281739.3); c.1822G>A, p.Ala608Thr (NM_025135.5); short protein forms A591T, A783T, A608T.
Identifiers: ClinVar variation 3515310 (VCV003515310.8).